The following is an entry in ClinVar:

ClinVar aggregate classification (germline): Likely benign. Review status: criteria provided, multiple submitters, no conflicts (2 of 4 stars). 3 submissions from 3 submitters: Likely benign (3). Last evaluated 2026-02-27.

Conditions:
KIF11-related disorder. Also called: KIF11-related condition.
Inborn genetic diseases. Identifiers: MedGen C0950123, MeSH D030342.

Allele frequency attached by ClinVar (database versions not stated): gnomAD exomes 0.00002 and 0.00004; ExAC 0.00004; gnomAD 0.00013 and 0.00014; TOPMed 0.00021; ESP Exome Variant Server 0.00031.
gnomAD v4.1: 40 of 1,611,920 alleles (0.0025%); highest among the groups gnomAD compares: African/African-American, 0.053%; no homozygotes.

Submissions (3):

PreventionGenetics, part of Exact Sciences
Classification: Likely benign for KIF11-related condition. Last evaluated: 2026-02-27. Review status: criteria provided, single submitter. Criteria: ACMG Guidelines, 2015. Collection method: clinical testing. Allele origin: germline.
Comment: This variant is classified as likely benign based on ACMG/AMP sequence variant interpretation guidelines (Richards et al. 2015 PMID: 25741868, with internal and published modifications).

Labcorp Genetics (formerly Invitae), Labcorp
Classification: Likely benign. Last evaluated: 2025-11-10. Review status: criteria provided, single submitter. Criteria: Invitae Variant Classification Sherloc (09022015). Collection method: clinical testing. Allele origin: germline.

Ambry Genetics
Classification: Likely benign for Inborn genetic diseases. Last evaluated: 2024-10-25. Review status: criteria provided, single submitter. Criteria: Ambry Variant Classification Scheme 2023. Collection method: clinical testing. Allele origin: germline.

NM_004523.4(KIF11):c.957C>G (p.Ile319Met)

Gene: KIF11 (kinesin family member 11; plus strand). Cytogenetic location: 10q23.33.
Variant type: single nucleotide variant.
Coding change: c.957C>G on transcript NM_004523.4 (MANE Select); coding-DNA position 957, C replaced by G.
Protein change: p.Ile319Met; replaces isoleucine 319 with methionine.
Molecular consequence: missense variant.
Genome position (GRCh38, 1-based): chr10:92,613,544, C>G. VCF-style: chr10-92613544-C-G. GRCh37 (hg19) VCF-style: chr10-94373301-C-G.
Other names: c.957C>G (NM_004523.3); short protein forms I319M.
Identifiers: ClinVar variation 1045645 (VCV001045645.8), dbSNP rs149652358, ClinGen allele CA5604087.
Genomic context (GRCh38, chr10:92,613,544, plus strand): 5'-TACTGCCCTTGTAGAAAGAACACCTCATGTTCCTTATCGAGAATCTAAACTAACTAGAAT[C>G]CTCCAGGATTCTCTTGGAGGGCGTACAAGAACATCTATAATTGCAACAATTTCTCCTGCA-3'
Protein context (NP_004514.2, residues 309-329): VPYRESKLTR[Ile319Met]LQDSLGGRTR